The following is an entry in ClinVar:

ClinVar aggregate classification (germline): Likely benign. Review status: criteria provided, multiple submitters, no conflicts (2 of 4 stars). 5 submissions from 5 submitters: Likely benign (5). Last evaluated 2025-12-01.

Conditions:
Epidermolysis bullosa simplex with nail dystrophy (EBS5D). Identifiers: MedGen C4225309, MONDO:0014661, OMIM 616487.
Autosomal recessive limb-girdle muscular dystrophy type 2Q (LGMDR17). Also called: MUSCULAR DYSTROPHY, LIMB-GIRDLE, AUTOSOMAL RECESSIVE 17. Identifiers: Orphanet 254361, MedGen C3150989, MONDO:0013390, OMIM 613723.
Epidermolysis bullosa simplex, Ogna type (EBS5A). Also called: Pidermolysis bullosa simplex 5A, Ogna type; EPIDERMOLYSIS BULLOSA SIMPLEX 5A, OGNA TYPE. Identifiers: Orphanet 79401, MedGen C0432317, MONDO:0007555, OMIM 131950.
Epidermolysis bullosa simplex 5B, with muscular dystrophy (EBS5B). Also called: Epidermolysis bullosa simplex with muscular dystrophy; EPIDERMOLYSIS BULLOSA SIMPLEX AND LIMB-GIRDLE MUSCULAR DYSTROPHY. Identifiers: Orphanet 257, MedGen C2931072, MONDO:0009181, OMIM 226670.
Epidermolysis bullosa simplex 5C, with pyloric atresia (EBS5C). Also called: PLEC-Related Epidermolysis Bullosa with Pyloric Atresia; Epidermolysis bullosa simplex with pyloric atresia; PLEC1-Related Epidermolysis Bullosa with Pyloric Atresia. Identifiers: Orphanet 158684, MedGen C2677349, MONDO:0012807, OMIM 612138.
PLEC-related disorder. Also called: PLEC-related disorders; PLEC-related condition.

Allele frequency attached by ClinVar (database versions not stated): gnomAD 0.00004; gnomAD exomes 0.00005 and 0.00010; TOPMed 0.00005; ExAC 0.00009.
gnomAD v4.1: 81 of 1,546,246 alleles (0.0052%); highest among the groups gnomAD compares: South Asian, 0.011%; no homozygotes.

Submissions (5):

CeGaT Center for Human Genetics Tuebingen
Classification: Likely benign. Last evaluated: 2025-12-01. Review status: criteria provided, single submitter. Criteria: CeGaT Center For Human Genetics Tuebingen Variant Classification Criteria Version 2. Collection method: clinical testing. Allele origin: germline. Affected: yes. Observed: 1 variant allele.
Comment: PLEC: BP4, BP7

Labcorp Genetics (formerly Invitae), Labcorp
Classification: Likely benign for Autosomal recessive limb-girdle muscular dystrophy type 2Q; Epidermolysis bullosa simplex, Ogna type; Epidermolysis bullosa simplex with nail dystrophy; Epidermolysis bullosa simplex 5C, with pyloric atresia; Epidermolysis bullosa simplex 5B, with muscular dystrophy. Last evaluated: 2025-07-27. Review status: criteria provided, single submitter. Criteria: Invitae Variant Classification Sherloc (09022015). Collection method: clinical testing. Allele origin: germline.

PreventionGenetics, part of Exact Sciences
Classification: Likely benign for PLEC-related condition. Last evaluated: 2025-03-05. Review status: criteria provided, single submitter. Criteria: ACMG Guidelines, 2015. Collection method: clinical testing. Allele origin: germline.
Comment: This variant is classified as likely benign based on ACMG/AMP sequence variant interpretation guidelines (Richards et al. 2015 PMID: 25741868, with internal and published modifications).

Blueprint Genetics
Classification: Likely benign. Last evaluated: 2024-07-18. Review status: criteria provided, single submitter. Criteria: ACMG Guidelines, 2015. Collection method: clinical testing. Allele origin: germline.

GeneDx
Classification: Likely benign. Last evaluated: 2019-09-30. Review status: criteria provided, single submitter. Criteria: GeneDx Variant Classification Process June 2021. Collection method: clinical testing. Allele origin: germline. Affected: yes.

NM_201384.3(PLEC):c.13593C>T (p.Tyr4531=)

Gene: PLEC (plectin; minus strand). Cytogenetic location: 8q24.3.
Variant type: single nucleotide variant.
Coding change: c.13593C>T on transcript NM_201384.3 (MANE Select); coding-DNA position 13593, C replaced by T.
Protein change: p.Tyr4531=; no amino-acid change (tyrosine 4531 retained).
Molecular consequence: synonymous variant.
Genome position (GRCh38, 1-based): chr8:143,916,228, G>A on the plus strand (C>T on the coding strand, the complement: PLEC is on the minus strand). VCF-style: chr8-143916228-G-A. GRCh37 (hg19) VCF-style: chr8-144990396-G-A.
Other names: c.13674C>T, p.Tyr4558= (NM_000445.5); c.13551C>T, p.Tyr4517= (NM_201378.4); c.13527C>T, p.Tyr4509= (NM_201379.3); c.14004C>T, p.Tyr4668= (NM_201380.4); c.13497C>T, p.Tyr4499= (NM_201381.3); c.13593C>T, p.Tyr4531= (NM_201382.4); c.13605C>T, p.Tyr4535= (NM_201383.3); c.13674C>T (NM_000445.4).
Identifiers: ClinVar variation 389523 (VCV000389523.19), dbSNP rs782092984, ClinGen allele CA4923751.